The following is an entry in ClinVar:

NM_003579.4(RAD54L):c.704G>A (p.Gly235Glu)

Gene: RAD54L (RAD54 like; plus strand). Cytogenetic location: 1p34.1.
Variant type: single nucleotide variant.
Coding change: c.704G>A on transcript NM_003579.4 (MANE Select); coding-DNA position 704, G replaced by A.
Protein change: p.Gly235Glu; replaces glycine 235 with glutamic acid.
Molecular consequence: missense variant.
Genome position (GRCh38, 1-based): chr1:46,260,953, G>A. VCF-style: chr1-46260953-G-A. GRCh37 (hg19) VCF-style: chr1-46726625-G-A.
Other names: c.704G>A, p.Gly235Glu (NM_001142548.2); c.164G>A, p.Gly55Glu (NM_001370766.1); short protein forms G235E, G55E.
Identifiers: ClinVar variation 1756874 (VCV001756874.2), dbSNP rs771777221, ClinGen allele CA834331.

ClinVar aggregate classification (germline): Uncertain significance (1 of 4 stars; one submission).

Allele frequency attached by ClinVar (database versions not stated): gnomAD exomes below 0.00001; ExAC 0.00001.
gnomAD v4.1: 1 of 1,614,202 alleles (0.000062%); highest among the groups gnomAD compares: Non-Finnish European, 0.000085%; no homozygotes.

Submission:

Ambry Genetics
Classification: Uncertain significance. Last evaluated: 2021-11-22. Review status: criteria provided, single submitter. Criteria: Ambry Variant Classification Scheme 2023. Collection method: clinical testing. Allele origin: germline.
Comment: The p.G235E variant (also known as c.704G>A), located in coding exon 7 of the RAD54L gene, results from a G to A substitution at nucleotide position 704. The glycine at codon 235 is replaced by glutamic acid, an amino acid with similar properties. This amino acid position is conserved. In addition, this alteration is predicted to be deleterious by in silico analysis. Since supporting evidence is limited at this time, the clinical significance of this alteration remains unclear.